The following is an entry in ClinVar:

ClinVar aggregate classification (germline): Uncertain significance. Review status: criteria provided, multiple submitters, no conflicts (2 of 4 stars). 3 submissions from 3 submitters: Uncertain significance (2). 1 of the submissions does not count toward it. Last evaluated 2018-08-24.

Conditions:
Rotor syndrome (HBLRR). Also called: HYPERBILIRUBINEMIA, ROTOR TYPE, DIGENIC; HYPERBILIRUBINEMIA, ROTOR TYPE. Identifiers: Orphanet 3111, MedGen C0220991, MONDO:0009379, OMIM 237450.
SLCO1B3-related disorder. Also called: SLCO1B3-related condition.

Allele frequency attached by ClinVar (database versions not stated): gnomAD exomes 0.00009 and 0.00015; ExAC 0.00020; 1000 Genomes Project 0.00040; 1000 Genomes Project 30x 0.00047; ESP Exome Variant Server 0.00077; gnomAD 0.00089 and 0.00097; TOPMed 0.00100.
gnomAD v4.1: 269 of 1,610,408 alleles (0.017%); highest among the groups gnomAD compares: African/African-American, 0.27%; no homozygotes.

Submissions (3):

Baylor Genetics
Classification: Uncertain significance for Rotor syndrome. Last evaluated: 2018-08-24. Review status: criteria provided, single submitter. Criteria: ACMG Guidelines, 2015. Collection method: clinical testing. Allele origin: unknown. Affected: yes.
Comment: This variant was determined to be of uncertain significance according to ACMG Guidelines, 2015 [PMID:25741868].

Illumina Laboratory Services, Illumina
Classification: Uncertain significance for Rotor syndrome. Last evaluated: 2018-01-13. Review status: criteria provided, single submitter. Criteria: ICSL Variant Classification Criteria 13 December 2019. Collection method: clinical testing. Allele origin: germline.

PreventionGenetics, part of Exact Sciences
Classification: Likely benign for SLCO1B3-related condition. Last evaluated: 2023-09-11. Review status: no assertion criteria provided. Collection method: clinical testing. Allele origin: germline. Not counted in ClinVar's aggregate classification.
Comment: This variant is classified as likely benign based on ACMG/AMP sequence variant interpretation guidelines (Richards et al. 2015 PMID: 25741868, with internal and published modifications).

NM_019844.4(SLCO1B3):c.645A>G (p.Ile215Met)

Genes: SLCO1B3 (solute carrier organic anion transporter family member 1B3; plus strand), SLCO1B3-SLCO1B7 (SLCO1B3-SLCO1B7 readthrough; plus strand). Cytogenetic location: 12p12.2.
Variant type: single nucleotide variant.
Coding change: c.645A>G on transcript NM_019844.4 (MANE Select); coding-DNA position 645, A replaced by G.
Protein change: p.Ile215Met; replaces isoleucine 215 with methionine.
Molecular consequence: missense variant.
Genome position (GRCh38, 1-based): chr12:20,862,772, A>G. VCF-style: chr12-20862772-A-G. GRCh37 (hg19) VCF-style: chr12-21015706-A-G.
Other names: c.645A>G, p.Ile215Met (NM_001371097.1); c.561A>G, p.Ile187Met (NM_001349920.2); short protein forms I215M, I187M.
Identifiers: ClinVar variation 881835 (VCV000881835.7), dbSNP rs142673817, ClinGen allele CA6475285.